The following is an entry in ClinVar:

NM_002256.4(KISS1):c.263C>G (p.Ala88Gly)

Gene: KISS1 (KiSS-1 metastasis suppressor; minus strand). Cytogenetic location: 1q32.1.
Variant type: single nucleotide variant.
Coding change: c.263C>G on transcript NM_002256.4 (MANE Select); coding-DNA position 263, C replaced by G.
Protein change: p.Ala88Gly; replaces alanine 88 with glycine.
Molecular consequence: missense variant.
Genome position (GRCh38, 1-based): chr1:204,190,638, G>C on the plus strand (C>G on the coding strand, the complement: KISS1 is on the minus strand). VCF-style: chr1-204190638-G-C. GRCh37 (hg19) VCF-style: chr1-204159766-G-C.
Other names: c.263C>G (NM_002256.3); short protein forms A88G.
Identifiers: ClinVar variation 1899431 (VCV001899431.7), dbSNP rs760697034, ClinGen allele CA1345146.

ClinVar aggregate classification (germline): Uncertain significance. Review status: criteria provided, multiple submitters, no conflicts (2 of 4 stars). 2 submissions from 2 submitters: Uncertain significance (2). Last evaluated 2023-03-01.

Allele frequency attached by ClinVar (database versions not stated): ExAC 0.00002.
gnomAD v4.1: 54 of 1,584,168 alleles (0.0034%); highest among the groups gnomAD compares: Non-Finnish European, 0.0042%; no homozygotes.

Submissions (2):

Ambry Genetics
Classification: Uncertain significance. Last evaluated: 2023-03-01. Review status: criteria provided, single submitter. Criteria: Ambry Variant Classification Scheme 2023. Collection method: clinical testing. Allele origin: germline.

Labcorp Genetics (formerly Invitae), Labcorp
Classification: Uncertain significance. Last evaluated: 2022-04-06. Review status: criteria provided, single submitter. Criteria: Invitae Variant Classification Sherloc (09022015). Collection method: clinical testing. Allele origin: germline.
Comment: This variant has not been reported in the literature in individuals affected with KISS1-related conditions. In summary, the available evidence is currently insufficient to determine the role of this variant in disease. Therefore, it has been classified as a Variant of Uncertain Significance. Algorithms developed to predict the effect of missense changes on protein structure and function are either unavailable or do not agree on the potential impact of this missense change (SIFT: "Tolerated"; PolyPhen-2: "Possibly Damaging"; Align-GVGD: "Class C0"). This variant is present in population databases (rs760697034, gnomAD 0.003%). This sequence change replaces alanine, which is neutral and non-polar, with glycine, which is neutral and non-polar, at codon 88 of the KISS1 protein (p.Ala88Gly).